The following is an entry in ClinVar:

NM_007348.4(ATF6):c.497C>T (p.Thr166Ile)

Gene: ATF6 (activating transcription factor 6; plus strand). Cytogenetic location: 1q23.3.
Variant type: single nucleotide variant.
Coding change: c.497C>T on transcript NM_007348.4 (MANE Select); coding-DNA position 497, C replaced by T.
Protein change: p.Thr166Ile; replaces threonine 166 with isoleucine.
Molecular consequence: missense variant.
Genome position (GRCh38, 1-based): chr1:161,792,136, C>T. VCF-style: chr1-161792136-C-T. GRCh37 (hg19) VCF-style: chr1-161761926-C-T.
Other names: short protein forms T166I.
Identifiers: ClinVar variation 1435321 (VCV001435321.6), dbSNP rs780422475, ClinGen allele CA1214228.
Genomic context (GRCh38, chr1:161,792,136, plus strand): 5'-GCGTAATTGCTTTCACATTGACTTGTGGTTTGTCTGGTTTTTCTCCAGAAAATGGACTGA[C>T]TCCAAAGAAAAAAATTCAGGTGAATTCAAAACCTTCAATTCAGCCCAAGCCTTTATTGCT-3'
Protein context (NP_031374.2, residues 156-176): GPRNKTENGL[Thr166Ile]PKKKIQVNSK

ClinVar aggregate classification (germline): Uncertain significance (1 of 4 stars; one submission).

Allele frequency attached by ClinVar (database versions not stated): gnomAD exomes below 0.00001 and 0.00001; ExAC 0.00001.
gnomAD v4.1: 7 of 1,613,746 alleles (0.00043%); highest among the groups gnomAD compares: Non-Finnish European, 0.00059%; no homozygotes.

Submission:

Labcorp Genetics (formerly Invitae), Labcorp
Classification: Uncertain significance. Last evaluated: 2023-08-04. Review status: criteria provided, single submitter. Criteria: Invitae Variant Classification Sherloc (09022015). Collection method: clinical testing. Allele origin: germline.
Comment: This variant has not been reported in the literature in individuals affected with ATF6-related conditions. This variant is present in population databases (rs780422475, gnomAD 0.0009%). This sequence change replaces threonine, which is neutral and polar, with isoleucine, which is neutral and non-polar, at codon 166 of the ATF6 protein (p.Thr166Ile). In summary, the available evidence is currently insufficient to determine the role of this variant in disease. Therefore, it has been classified as a Variant of Uncertain Significance. Advanced modeling of protein sequence and biophysical properties (such as structural, functional, and spatial information, amino acid conservation, physicochemical variation, residue mobility, and thermodynamic stability) performed at Invitae indicates that this missense variant is not expected to disrupt ATF6 protein function. ClinVar contains an entry for this variant (Variation ID: 1435321).